The following is an entry in ClinVar:

ClinVar aggregate classification (germline): Uncertain significance (1 of 4 stars; one submission).

Conditions:
Congenital myopathy with internal nuclei and atypical cores. Also called: Myopathy, centronuclear, 4. Identifiers: Orphanet 319160, MedGen C4707232, MONDO:0013890, OMIM 614807.

Allele frequency attached by ClinVar (database versions not stated): gnomAD 0.00001; ExAC 0.00005; 1000 Genomes Project 30x 0.00016; 1000 Genomes Project 0.00020.

Submission:

Labcorp Genetics (formerly Invitae), Labcorp
Classification: Uncertain significance for Congenital myopathy with internal nuclei and atypical cores. Last evaluated: 2025-10-01. Review status: criteria provided, single submitter. Criteria: Invitae Variant Classification Sherloc (09022015). Collection method: clinical testing. Allele origin: germline.
Comment: This sequence change falls in intron 1 of the CCDC78 gene. It does not directly change the encoded amino acid sequence of the CCDC78 protein. This variant is present in population databases (rs576534778, gnomAD 0.03%). This variant has not been reported in the literature in individuals affected with CCDC78-related conditions. ClinVar contains an entry for this variant (Variation ID: 2040330). Algorithms developed to predict the effect of sequence changes on RNA splicing suggest that this variant may disrupt the consensus splice site. In summary, the available evidence is currently insufficient to determine the role of this variant in disease. Therefore, it has been classified as a Variant of Uncertain Significance.

NM_001378030.1(CCDC78):c.61-13G>A

Gene: CCDC78 (coiled-coil domain containing 78; minus strand). Cytogenetic location: 16p13.3.
Variant type: single nucleotide variant.
Coding change: c.61-13G>A on transcript NM_001378030.1 (MANE Select); 13 bases into the intron before coding-DNA position 61, G replaced by A.
Molecular consequence: intron variant. On other transcripts: non-coding transcript variant (1).
Genome position (GRCh38, 1-based): chr16:726,098, C>T on the plus strand (G>A on the coding strand, the complement: CCDC78 is on the minus strand). VCF-style: chr16-726098-C-T. GRCh37 (hg19) VCF-style: chr16-776098-C-T.
Other names: c.-225-13G>A (NM_001378033.1); c.61-13G>A (NM_001378031.1, NM_001031737.3).
Identifiers: ClinVar variation 2040330 (VCV002040330.4), dbSNP rs576534778, ClinGen allele CA7789750.